The following is an entry in ClinVar:

ClinVar aggregate classification (germline): Pathogenic (1 of 4 stars; one submission).

Conditions:
Long QT syndrome (LQTS). Identifiers: MedGen C0023976, MeSH D008133, MONDO:0002442. Disease mechanism: loss of function. Inheritance: Various modes of inheritance.

Submission:

Labcorp Genetics (formerly Invitae), Labcorp
Classification: Pathogenic for Long QT syndrome. Last evaluated: 2018-06-11. Review status: criteria provided, single submitter. Criteria: Invitae Variant Classification Sherloc (09022015). Collection method: clinical testing. Allele origin: germline.
Comment: For these reasons, this variant has been classified as Pathogenic. Loss-of-function variants in KCNH2 are known to be pathogenic (PMID: 19862833). This variant has not been reported in the literature in individuals with KCNH2-related disease. This variant is not present in population databases (ExAC no frequency). This sequence change creates a premature translational stop signal (p.Arg887Alafs*33) in the KCNH2 gene. It is expected to result in an absent or disrupted protein product.

Literature cited by the submitters: PubMed 19862833.

NM_000238.4(KCNH2):c.2657dup (p.Arg887fs)

Gene: KCNH2 (potassium voltage-gated channel subfamily H member 2; minus strand). Cytogenetic location: 7q36.1.
Variant type: Duplication.
Coding change: c.2657dup on transcript NM_000238.4 (MANE Select); coding-DNA position 2657, one base duplicated (A; older notation c.2657dupA).
Protein change: p.Arg887fs; shifts the reading frame from arginine 887.
Molecular consequence: frameshift variant.
Genome position (GRCh38, 1-based): chr7:150,948,479, T duplicated on the plus strand (A on the coding strand, the reverse complement: KCNH2 is on the minus strand); the first of 2 consecutive T bases (chr7:150,948,479-150,948,480); duplicating either gives the same sequence. VCF-style (leftmost placement, unchanged base first): chr7-150948478-C-CT. GRCh37 (hg19) VCF-style: chr7-150645566-C-CT.
Other names: c.2657dupA (NM_000238.3); c.1637dup, p.Arg547fs (NM_172057.3); short protein forms R887fs, R547fs.
Identifiers: ClinVar variation 526908 (VCV000526908.7), dbSNP rs1554424671, ClinGen allele CA658797038.